The following is an entry in ClinVar:

NM_001374736.1(DST):c.19464+1G>A

Gene: DST (dystonin; minus strand). Cytogenetic location: 6p12.1.
Variant type: single nucleotide variant.
Coding change: c.19464+1G>A on transcript NM_001374736.1 (MANE Select); the canonical splice donor site of the intron after coding-DNA position 19464, G replaced by A.
Molecular consequence: splice donor variant.
Genome position (GRCh38, 1-based): chr6:56,506,442, C>T on the plus strand (G>A on the coding strand, the complement: DST is on the minus strand). VCF-style: chr6-56506442-C-T. GRCh37 (hg19) VCF-style: chr6-56371240-C-T.
Other names: c.13107+1G>A (NM_001144769.5); c.19464+1G>A (NM_001374722.1); c.19491+1G>A (NM_001374734.1); c.12693+1G>A (NM_001144770.2); c.12246+1G>A (NM_001374730.1); c.12573+1G>A (NM_001386100.1, NM_183380.4); c.18504+1G>A (NM_001374729.1); c.11595+1G>A (NM_015548.5).
Identifiers: ClinVar variation 2119385 (VCV002119385.4), dbSNP rs2534263051, ClinGen allele CA364522065.

ClinVar aggregate classification (germline): Likely pathogenic (1 of 4 stars; one submission).

Conditions:
Epidermolysis bullosa simplex 3, localized or generalized intermediate, with BP230 deficiency (EBS3). Also called: Epidermolysis bullosa simplex, autosomal recessive 2; Epidermolysis bullosa simplex due to BP230 deficiency. Identifiers: Orphanet 412181, MedGen C3809470, MONDO:0014180, OMIM 615425.
Hereditary sensory and autonomic neuropathy type 6. Also called: Neuropathy, hereditary sensory and autonomic, type VI; HSAN VI. Identifiers: Orphanet 314381, MedGen C3539003, MONDO:0013839, OMIM 614653.

Submission:

Labcorp Genetics (formerly Invitae), Labcorp
Classification: Likely pathogenic for Epidermolysis bullosa simplex 3, localized or generalized intermediate, with BP230 deficiency; Hereditary sensory and autonomic neuropathy type 6. Last evaluated: 2022-03-29. Review status: criteria provided, single submitter. Criteria: Invitae Variant Classification Sherloc (09022015). Collection method: clinical testing. Allele origin: germline.
Comment: This sequence change affects a donor splice site in intron 58 of the DST gene. It is expected to disrupt RNA splicing. Variants that disrupt the donor or acceptor splice site typically lead to a loss of protein function (PMID: 16199547), and loss-of-function variants in DST are known to be pathogenic (PMID: 22522446, 25059916, 30371979). In summary, the currently available evidence indicates that the variant is pathogenic, but additional data are needed to prove that conclusively. Therefore, this variant has been classified as Likely Pathogenic. This variant has not been reported in the literature in individuals affected with DST-related conditions. This variant is not present in population databases (gnomAD no frequency). The DST gene has multiple clinically relevant transcripts. This variant occurs in alternate transcript NM_015548.4, and corresponds to NM_001723.5:c.*109075G>A in the primary transcript.

Literature cited by the submitters: PubMed 16199547; PubMed 22522446; PubMed 25059916; PubMed 30371979.